The following is an entry in ClinVar:

NM_004360.5(CDH1):c.600C>T (p.Pro200=)

Gene: CDH1 (cadherin 1; plus strand). Cytogenetic location: 16q22.1.
Variant type: single nucleotide variant.
Coding change: c.600C>T on transcript NM_004360.5 (MANE Select); coding-DNA position 600, C replaced by T.
Protein change: p.Pro200=; no amino-acid change (proline 200 retained).
Molecular consequence: synonymous variant. On other transcripts: 5 prime UTR variant (2).
Genome position (GRCh38, 1-based): chr16:68,808,761, C>T. VCF-style: chr16-68808761-C-T. GRCh37 (hg19) VCF-style: chr16-68842664-C-T.
Other names: c.600C>T, p.Pro200= (NM_001317184.2); c.-1016C>T (NM_001317185.2); c.-1220C>T (NM_001317186.2).
Identifiers: ClinVar variation 1078705 (VCV001078705.16), dbSNP rs973385466, ClinGen allele CA283297144.
Genomic context (GRCh38, chr16:68,808,761, plus strand): 5'-CAACAAAGACAAAGAAGGCAAGGTTTTCTACAGCATCACTGGCCAAGGAGCTGACACACC[C>T]CCTGTTGGTGTCTTTATTATTGAAAGAGAAACAGGATGGCTGAAGGTGACAGAGCCTCTG-3'
Protein context (NP_004351.1, residues 190-210): YSITGQGADT[Pro200=]PVGVFIIERE

ClinVar aggregate classification (germline): Benign/Likely benign. Review status: criteria provided, multiple submitters, no conflicts (2 of 4 stars). 5 submissions from 5 submitters: Benign (1); Likely benign (4). Last evaluated 2025-11-05.

Conditions:
Hereditary cancer-predisposing syndrome. Also called: Neoplastic Syndromes, Hereditary; Hereditary neoplastic syndrome; Tumor predisposition; Hereditary Cancer Syndrome. Identifiers: Orphanet 140162, MedGen C0027672, MeSH D009386, MONDO:0015356.
Hereditary diffuse gastric adenocarcinoma (HDGC). Also called: DIFFUSE GASTRIC AND LOBULAR BREAST CANCER SYNDROME. Identifiers: Orphanet 26106, MedGen C1708349, MONDO:0007648, OMIM 137215.

Allele frequency attached by ClinVar (database versions not stated): gnomAD exomes below 0.00001.
gnomAD v4.1: 3 of 1,614,042 alleles (0.00019%); highest among the groups gnomAD compares: Non-Finnish European, 0.00025%; no homozygotes.

Submissions (5):

Labcorp Genetics (formerly Invitae), Labcorp
Classification: Likely benign for Hereditary diffuse gastric adenocarcinoma. Last evaluated: 2025-11-05. Review status: criteria provided, single submitter. Criteria: Invitae Variant Classification Sherloc (09022015). Collection method: clinical testing. Allele origin: germline.

Myriad Genetics, Inc.
Classification: Benign for Hereditary diffuse gastric adenocarcinoma. Last evaluated: 2024-09-13. Review status: criteria provided, single submitter. Criteria: Myriad Autosomal Dominant, Autosomal Recessive and X-Linked Classification Criteria (2023). Collection method: clinical testing. Allele origin: unknown.
Comment: This variant is considered benign. This variant is a silent/synonymous amino acid change and it is not expected to impact splicing.

Color Diagnostics, LLC DBA Color Health
Classification: Likely benign for Hereditary cancer-predisposing syndrome. Last evaluated: 2023-10-26. Review status: criteria provided, single submitter. Criteria: ACMG Guidelines, 2015. Collection method: clinical testing. Allele origin: germline.

Ambry Genetics
Classification: Likely benign for Hereditary cancer-predisposing syndrome. Last evaluated: 2022-09-08. Review status: criteria provided, single submitter. Criteria: Ambry Variant Classification Scheme 2023. Collection method: clinical testing. Allele origin: germline.

GeneDx
Classification: Likely benign. Last evaluated: 2018-12-18. Review status: criteria provided, single submitter. Criteria: GeneDx Variant Classification Process June 2021. Collection method: clinical testing. Allele origin: germline. Affected: yes.
Comment: This variant is associated with the following publications: (PMID: 30287823)